The following is an entry in ClinVar:

ClinVar aggregate classification (germline): Uncertain significance. Review status: criteria provided, multiple submitters, no conflicts (2 of 4 stars). 2 submissions from 2 submitters: Uncertain significance (2). Last evaluated 2025-02-13.

Conditions:
Cardiovascular phenotype. Identifiers: MedGen CN230736.

Allele frequency attached by ClinVar (database versions not stated): gnomAD exomes below 0.00001.
gnomAD v4.1: 2 of 1,614,160 alleles (0.00012%); highest among the groups gnomAD compares: South Asian, 0.0011%; no homozygotes.

Submissions (2):

GeneDx
Classification: Uncertain significance. Last evaluated: 2025-02-13. Review status: criteria provided, single submitter. Criteria: GeneDx Variant Classification Process June 2021. Collection method: clinical testing. Allele origin: germline. Affected: yes.
Comment: Not observed at significant frequency in large population cohorts (gnomAD); In silico analysis supports that this missense variant has a deleterious effect on protein structure/function; Has not been previously published as pathogenic or benign to our knowledge

Ambry Genetics
Classification: Uncertain significance for Cardiovascular phenotype. Last evaluated: 2019-07-30. Review status: criteria provided, single submitter. Criteria: Ambry Variant Classification Scheme 2023. Collection method: clinical testing. Allele origin: germline.
Comment: The p.R1007Q variant (also known as c.3020G>A), located in coding exon 27 of the ANK2 gene, results from a G to A substitution at nucleotide position 3020. The arginine at codon 1007 is replaced by glutamine, an amino acid with highly similar properties. This amino acid position is highly conserved in available vertebrate species. In addition, this alteration is predicted to be deleterious by in silico analysis. Since supporting evidence is limited at this time, the clinical significance of this alteration remains unclear.

NM_001148.6(ANK2):c.3020G>A (p.Arg1007Gln)

Gene: ANK2 (ankyrin 2; plus strand). Cytogenetic location: 4q26.
Variant type: single nucleotide variant.
Coding change: c.3020G>A on transcript NM_001148.6 (MANE Select); coding-DNA position 3020, G replaced by A.
Protein change: p.Arg1007Gln; replaces arginine 1007 with glutamine.
Molecular consequence: missense variant.
Genome position (GRCh38, 1-based): chr4:113,330,365, G>A. VCF-style: chr4-113330365-G-A. GRCh37 (hg19) VCF-style: chr4-114251521-G-A.
Other names: c.2993G>A, p.Arg998Gln (NM_001127493.3); c.3032G>A, p.Arg1011Gln (NM_001354225.2); c.3020G>A, p.Arg1007Gln (NM_001354228.2, NM_001354258.2, NM_020977.5); c.3098G>A, p.Arg1033Gln (NM_001354230.2, NM_001354237.2); c.3062G>A, p.Arg1021Gln (NM_001354231.2, NM_001354242.2); c.3056G>A, p.Arg1019Gln (NM_001354232.2); c.3017G>A, p.Arg1006Gln (NM_001354235.2, NM_001354236.2, NM_001354246.2 and 1 more transcripts); c.2990G>A, p.Arg997Gln (NM_001354239.2, NM_001354252.2, NM_001354272.2); and 23 more; short protein forms R1007Q, R998Q, R1006Q, R1033Q, R912Q, R940Q, R945Q, R965Q.
Identifiers: ClinVar variation 518604 (VCV000518604.6), dbSNP rs1554509161, ClinGen allele CA357935142.